The following is an entry in ClinVar:

ClinVar aggregate classification (germline): Pathogenic. Review status: criteria provided, single submitter (1 of 4 stars). 2 submissions from 1 submitter: Pathogenic (2). Last evaluated 2023-08-23.

Conditions:
Primary ciliary dyskinesia. Also called: Ciliary dyskinesia. Identifiers: Orphanet 244, MedGen C0008780, MONDO:0016575, HP:0012265.
Ornithine carbamoyltransferase deficiency (OTCD). Also called: Ornithine Carbamoyltransferase Deficiency Disease; ORNITHINE TRANSCARBAMYLASE DEFICIENCY; ORNITHINE TRANSCARBAMYLASE DEFICIENCY, HYPERAMMONEMIA DUE TO; OTC DEFICIENCY. Identifiers: Orphanet 664, MedGen C0268542, MONDO:0010703, OMIM 311250.

Submissions (2):

Labcorp Genetics (formerly Invitae), Labcorp
Classification: Pathogenic for Primary ciliary dyskinesia. Last evaluated: 2023-08-23. Review status: criteria provided, single submitter. Criteria: Invitae Variant Classification Sherloc (09022015). Collection method: clinical testing. Allele origin: unknown.
Comment: For these reasons, this variant has been classified as Pathogenic. This variant has not been reported in the literature in individuals affected with RPGR-related conditions. A gross deletion of the genomic region encompassing the full coding sequence of the RPGR gene has been identified. Loss-of-function variants in RPGR are known to be pathogenic (PMID: 16055928, 16969763). The boundaries of this event are unknown as they extend beyond the assayed region for this gene and therefore may encompass additional genes.

Labcorp Genetics (formerly Invitae), Labcorp
Classification: Pathogenic for Ornithine carbamoyltransferase deficiency. Last evaluated: 2020-10-27. Review status: criteria provided, single submitter. Criteria: Invitae Variant Classification Sherloc (09022015). Collection method: clinical testing. Allele origin: germline.
Comment: A gross deletion of the genomic region encompassing the full coding sequence of the OTC gene has been identified. The boundaries of this event are unknown as the deletion extends beyond the assayed region for this gene and therefore may encompass additional genes. This variant has been observed in individuals affected with OTC deficiency (PMID: 22494545, 11793468, 19475717, 22382802, 18487280, 19138872, 19783189). Loss-of-function variants in OTC are known to be pathogenic (PMID: 10946359, 16786505). For these reasons, this variant has been classified as Pathogenic.

Literature cited by the submitters: PubMed 16055928; PubMed 16969763; PubMed 22494545; PubMed 11793468; PubMed 19475717; PubMed 22382802; PubMed 18487280; PubMed 19138872; PubMed 19783189; PubMed 10946359; PubMed 16786505.

NC_000023.10:g.(?_37545215)_(38280335_?)del

Genes: H2AP (H2A.P histone; plus strand), OTC (ornithine transcarbamylase; plus strand), RPGR (retinitis pigmentosa GTPase regulator; minus strand), SRPX (sushi repeat containing protein X-linked; minus strand), SYTL5 (synaptotagmin like 5; plus strand) and 3 more. Cytogenetic location: Xp21.1-11.4.
Variant type: Deletion.
Identifiers: ClinVar variation 1076887 (VCV001076887.2).